The following is an entry in ClinVar:

ClinVar aggregate classification (germline): Likely benign (0 of 4 stars; one submission).

Conditions:
SLC45A1-related disorder. Also called: SLC45A1-related condition.

Allele frequency attached by ClinVar (database versions not stated): gnomAD 0.00001; TOPMed 0.00001; gnomAD exomes 0.00002; ExAC 0.00005.

Submission:

PreventionGenetics, part of Exact Sciences
Classification: Likely benign for SLC45A1-related condition. Last evaluated: 2019-08-12. Review status: no assertion criteria provided. Collection method: clinical testing. Allele origin: germline.
Comment: This variant is classified as likely benign based on ACMG/AMP sequence variant interpretation guidelines (Richards et al. 2015 PMID: 25741868, with internal and published modifications).

NM_001080397.3(SLC45A1):c.1444-9del

Gene: SLC45A1 (solute carrier family 45 member 1; plus strand). Cytogenetic location: 1p36.23.
Variant type: Deletion.
Coding change: c.1444-9del on transcript NM_001080397.3 (MANE Select); 9 bases into the intron before coding-DNA position 1444, one base deleted (T; older notation c.1444-9delT).
Molecular consequence: intron variant.
Genome position (GRCh38, 1-based): chr1:8,335,428, T deleted. VCF-style (leftmost placement, unchanged base first): chr1-8335427-CT-C. GRCh37 (hg19) VCF-style: chr1-8395487-CT-C.
Other names: c.1444-9del (NM_001379614.1); c.1351-9del (NM_001379615.1, NM_001379616.1); c.838-9del (NM_001379617.1, NM_001379618.1).
Identifiers: ClinVar variation 3035835 (VCV003035835.2), dbSNP rs773256626, ClinGen allele CA570393.
Genomic context (GRCh38, chr1:8,335,427, plus strand): 5'-AGCAGAGCAGGGTCTGCGCTGTGTGATGGGGGTGCGGGGCTCTGATGAGGGGTTTGTGGG[CT>C]CTTCCCAGGTGGCCAATATCCTGCTCAACGGCGTGAAGTATGAGAGCGAGCTGACGGGCT-3'